The following is an entry in ClinVar:

ClinVar aggregate classification (germline): Uncertain significance (1 of 4 stars; one submission).

Allele frequency attached by ClinVar (database versions not stated): gnomAD exomes below 0.00001; TOPMed below 0.00001; gnomAD 0.00001.
gnomAD v4.1: 7 of 1,595,156 alleles (0.00044%); highest among the groups gnomAD compares: African/African-American, 0.0013%; no homozygotes.

Submission:

Labcorp Genetics (formerly Invitae), Labcorp
Classification: Uncertain significance. Last evaluated: 2023-09-08. Review status: criteria provided, single submitter. Criteria: Invitae Variant Classification Sherloc (09022015). Collection method: clinical testing. Allele origin: germline.
Comment: In summary, the available evidence is currently insufficient to determine the role of this variant in disease. Therefore, it has been classified as a Variant of Uncertain Significance. Advanced modeling of protein sequence and biophysical properties (such as structural, functional, and spatial information, amino acid conservation, physicochemical variation, residue mobility, and thermodynamic stability) performed at Invitae indicates that this missense variant is not expected to disrupt GUCY2C protein function. This variant has not been reported in the literature in individuals affected with GUCY2C-related conditions. This variant is present in population databases (no rsID available, gnomAD 0.0009%). This sequence change replaces isoleucine, which is neutral and non-polar, with threonine, which is neutral and polar, at codon 561 of the GUCY2C protein (p.Ile561Thr).

NM_004963.4(GUCY2C):c.1682T>C (p.Ile561Thr)

Gene: GUCY2C (guanylate cyclase 2C; minus strand). Cytogenetic location: 12p12.3.
Variant type: single nucleotide variant.
Coding change: c.1682T>C on transcript NM_004963.4 (MANE Select); coding-DNA position 1682, T replaced by C.
Protein change: p.Ile561Thr; replaces isoleucine 561 with threonine.
Molecular consequence: missense variant.
Genome position (GRCh38, 1-based): chr12:14,651,435, A>G on the plus strand (T>C on the coding strand, the complement: GUCY2C is on the minus strand). VCF-style: chr12-14651435-A-G. GRCh37 (hg19) VCF-style: chr12-14804369-A-G.
Other names: short protein forms I561T.
Identifiers: ClinVar variation 3017210 (VCV003017210.3), dbSNP rs1408399549, ClinGen allele CA383988345.
Genomic context (GRCh38, chr12:14,651,435, plus strand): 5'-TTAGAAAATTGGAAATGACCATGGTTTCTTACCCGGAGGGATCCTCTCTCACAGTATTCT[A>G]TCACCCCGAAGATCATGGTATCAAGTTTCACTGTGCCGTAGAACTTGGTCAGGTTGTAAT-3'
Protein context (NP_004954.2, residues 551-571): VKLDTMIFGV[Ile561Thr]EYCERGSLRE